The following is an entry in ClinVar:

NM_001171.6(ABCC6):c.1232A>G (p.Asn411Ser)

Gene: ABCC6 (ATP binding cassette subfamily C member 6; minus strand). Cytogenetic location: 16p13.11.
Variant type: single nucleotide variant.
Coding change: c.1232A>G on transcript NM_001171.6 (MANE Select); coding-DNA position 1232, A replaced by G.
Protein change: p.Asn411Ser; replaces asparagine 411 with serine.
Molecular consequence: missense variant. On other transcripts: non-coding transcript variant (1).
Genome position (GRCh38, 1-based): chr16:16,198,127, T>C on the plus strand (A>G on the coding strand, the complement: ABCC6 is on the minus strand). VCF-style: chr16-16198127-T-C. GRCh37 (hg19) VCF-style: chr16-16291984-T-C.
Other names: c.890A>G, p.Asn297Ser (NM_001351800.1); c.1232A>G (NM_001171.5); short protein forms N297S, N411S.
Identifiers: ClinVar variation 2085646 (VCV002085646.6), dbSNP rs756831300, ClinGen allele CA7926404.

ClinVar aggregate classification (germline): Uncertain significance. Review status: criteria provided, multiple submitters, no conflicts (2 of 4 stars). 4 submissions from 4 submitters: Uncertain significance (4). Last evaluated 2025-03-12.

Conditions:
Autosomal recessive inherited pseudoxanthoma elasticum (PXE). Identifiers: Orphanet 758, MedGen CN032334, MONDO:0009925, OMIM 264800.
Pseudoxanthoma elasticum, forme fruste. Also called: PSEUDOXANTHOMA ELASTICUM, HETEROZYGOUS; Pseudoxanthoma Elasticum, Incomplete. Identifiers: Orphanet 758, MedGen C1867450, MONDO:0008333, OMIM 177850.
Arterial calcification, generalized, of infancy, 2. Identifiers: Orphanet 51608, MedGen C3276161, MONDO:0013768, OMIM 614473.
ABCC6-related disorder. Also called: ABCC6-related condition.

Allele frequency attached by ClinVar (database versions not stated): gnomAD 0.00003.
gnomAD v4.1: 76 of 1,611,654 alleles (0.0047%); highest among the groups gnomAD compares: South Asian, 0.0099%; no homozygotes.

Submissions (4):

PreventionGenetics, part of Exact Sciences
Classification: Uncertain significance for ABCC6-related condition. Last evaluated: 2025-03-12. Review status: criteria provided, single submitter. Criteria: ACMG Guidelines, 2015. Collection method: clinical testing. Allele origin: germline.
Comment: The ABCC6 c.1232A>G variant is predicted to result in the amino acid substitution p.Asn411Ser. This variant has been reported in an individual with features of pseudoxanthoma elasticum (Supplemental Table 2, Legrand et al 2017. PubMed ID: 28102862). This variant has also been reported in an individual with acute juvenile ischemic stroke (Härtl et al. 2022. PubMed ID: 36411388). This variant is reported in 0.0063% of alleles in individuals of European (non-Finnish) descent in gnomAD. An alternate missense substitution affecting the same amino acid (p.Asn411Lys) has been reported in the heterozygous state in a patient with pseudoxanthoma elasticum (Le Saux et al. 2001. PubMed ID: 11536079). While we suspect that the c.1232A>G (p.Asn411Ser) variant may be pathogenic, at this time, the clinical significance of this variant is uncertain due to the absence of conclusive functional and genetic evidence.

Labcorp Genetics (formerly Invitae), Labcorp
Classification: Uncertain significance. Last evaluated: 2024-11-19. Review status: criteria provided, single submitter. Criteria: Invitae Variant Classification Sherloc (09022015). Collection method: clinical testing. Allele origin: germline.
Comment: This sequence change replaces asparagine, which is neutral and polar, with serine, which is neutral and polar, at codon 411 of the ABCC6 protein (p.Asn411Ser). This variant is present in population databases (rs756831300, gnomAD 0.006%). This missense change has been observed in individual(s) with ABCC6-related conditions (PMID: 28102862). ClinVar contains an entry for this variant (Variation ID: 2085646). Invitae Evidence Modeling of protein sequence and biophysical properties (such as structural, functional, and spatial information, amino acid conservation, physicochemical variation, residue mobility, and thermodynamic stability) has been performed for this missense variant. However, the output from this modeling did not meet the statistical confidence thresholds required to predict the impact of this variant on ABCC6 protein function. In summary, the available evidence is currently insufficient to determine the role of this variant in disease. Therefore, it has been classified as a Variant of Uncertain Significance.

Blueprint Genetics
Classification: Uncertain significance. Last evaluated: 2024-09-02. Review status: criteria provided, single submitter. Criteria: ACMG Guidelines, 2015. Collection method: clinical testing. Allele origin: germline.

Fulgent Genetics
Classification: Uncertain significance for Pseudoxanthoma elasticum, forme fruste; Autosomal recessive inherited pseudoxanthoma elasticum; Arterial calcification, generalized, of infancy, 2. Last evaluated: 2024-01-30. Review status: criteria provided, single submitter. Criteria: ACMG Guidelines, 2015. Collection method: clinical testing. Allele origin: germline.

Literature cited by the submitters: PubMed 28102862 (cited by Labcorp Genetics (formerly Invitae), Labcorp).